The following is an entry in ClinVar:

ClinVar aggregate classification (germline): Likely pathogenic. Review status: criteria provided, multiple submitters, no conflicts (2 of 4 stars). 3 submissions from 3 submitters: Likely pathogenic (2). 1 of the submissions does not count toward it. Last evaluated 2025-09-08.

Conditions:
Primary hyperoxaluria, type I (HP1). Also called: GLYCOLIC ACIDURIA; HEPATIC AGT DEFICIENCY; OXALOSIS I; Primary hyperoxaluria type 1. Identifiers: Orphanet 416, Orphanet 93598, MedGen C0268164, MONDO:0009823, OMIM 259900. Disease mechanism: loss of function.

Submissions (3):

Natera, Inc.
Classification: Likely pathogenic for Primary hyperoxaluria type I. Last evaluated: 2025-09-08. Review status: criteria provided, single submitter. Criteria: Natera Variant Classification Schema (03/2026). Collection method: clinical testing. Allele origin: germline.
Comment: The c.524+2T>A variant in AGXT is a canonical splice donor site variant predicted to affect pre-mRNA splicing, which may result in an abnormal transcript and altered protein product. This variant is expected to result in nonsense mediated decay, truncation, or a dysfunctional protein product. This variant is rare in the general population with a frequency below the threshold expected for the associated phenotype(s). Given the available evidence, this variant is classified as Likely Pathogenic.

Baylor Genetics
Classification: Likely pathogenic for Primary hyperoxaluria, type I. Last evaluated: 2022-05-27. Review status: criteria provided, single submitter. Criteria: ACMG Guidelines, 2015. Collection method: clinical testing. Allele origin: unknown.

Counsyl
Classification: Likely pathogenic for Primary hyperoxaluria, type I. Last evaluated: 2017-04-06. Review status: no assertion criteria provided. Collection method: clinical testing. Allele origin: unknown. Not counted in ClinVar's aggregate classification.

NM_000030.3(AGXT):c.524+2T>A

Gene: AGXT (alanine--glyoxylate aminotransferase; plus strand). Cytogenetic location: 2q37.3.
Variant type: single nucleotide variant.
Coding change: c.524+2T>A on transcript NM_000030.3 (MANE Select); the canonical splice donor site of the intron after coding-DNA position 524, T replaced by A.
Molecular consequence: splice donor variant.
Genome position (GRCh38, 1-based): chr2:240,871,451, T>A. VCF-style: chr2-240871451-T-A. GRCh37 (hg19) VCF-style: chr2-241810868-T-A.
Identifiers: ClinVar variation 551385 (VCV000551385.4), dbSNP rs1553648568, ClinGen allele CA351316219.